The following is an entry in ClinVar:

ClinVar aggregate classification (germline): Pathogenic/Likely pathogenic. Review status: criteria provided, multiple submitters, no conflicts (2 of 4 stars). 2 submissions from 2 submitters: Pathogenic (1); Likely pathogenic (1). Last evaluated 2023-12-22.

Conditions:
Hereditary spherocytosis type 1. Also called: Spherocytosis type 1; ANK1-Related Spherocytosis. Identifiers: Orphanet 822, MedGen C2674218, MONDO:0008447, OMIM 182900.

Submissions (2):

Labcorp Genetics (formerly Invitae), Labcorp
Classification: Pathogenic. Last evaluated: 2023-12-22. Review status: criteria provided, single submitter. Criteria: Invitae Variant Classification Sherloc (09022015). Collection method: clinical testing. Allele origin: germline.
Comment: This sequence change creates a premature translational stop signal (p.Gln634*) in the ANK1 gene. It is expected to result in an absent or disrupted protein product. Loss-of-function variants in ANK1 are known to be pathogenic (PMID: 8640229). This variant is not present in population databases (gnomAD no frequency). This variant has not been reported in the literature in individuals affected with ANK1-related conditions. ClinVar contains an entry for this variant (Variation ID: 2441426). For these reasons, this variant has been classified as Pathogenic.

Revvity Omics, Revvity
Classification: Likely pathogenic for Hereditary spherocytosis type 1. Last evaluated: 2022-01-04. Review status: criteria provided, single submitter. Criteria: ACMG Guidelines, 2015. Collection method: clinical testing. Allele origin: germline.

Literature cited by the submitters: PubMed 8640229 (cited by Labcorp Genetics (formerly Invitae), Labcorp).

NM_000037.4(ANK1):c.1900C>T (p.Gln634Ter)

Gene: ANK1 (ankyrin 1; minus strand). Cytogenetic location: 8p11.21.
Variant type: single nucleotide variant.
Coding change: c.1900C>T on transcript NM_000037.4 (MANE Select); coding-DNA position 1900, C replaced by T.
Protein change: p.Gln634Ter; replaces glutamine 634 with a stop codon.
Molecular consequence: nonsense.
Genome position (GRCh38, 1-based): chr8:41,708,876, G>A on the plus strand (C>T on the coding strand, the complement: ANK1 is on the minus strand). VCF-style: chr8-41708876-G-A. GRCh37 (hg19) VCF-style: chr8-41566394-G-A.
Other names: c.1999C>T, p.Gln667Ter (NM_001142446.2); c.1900C>T, p.Gln634Ter (NM_020475.3, NM_020476.3, NM_020477.3); short protein forms Q634*, Q667*.
Identifiers: ClinVar variation 2441426 (VCV002441426.6), dbSNP rs2486869276, ClinGen allele CA371067867.
Genomic context (GRCh38, chr8:41,708,876, plus strand): 5'-GCAGAGCCACCATCTCTGCGTGGCCCTCCTGGGCGGCCAGGTGAAGGGGCGTCACACCTT[G>A]CACCGACTCGGCGTTTGCTGAGCCCCCATACTGCAGCAGACTACGGGCCACCTCCACCTG-3'